The following is an entry in ClinVar:

ClinVar aggregate classification (germline): Pathogenic/Likely pathogenic. Review status: criteria provided, multiple submitters, no conflicts (2 of 4 stars). 13 submissions from 13 submitters: Pathogenic (10); Likely pathogenic (2). 1 of the submissions does not count toward it. Last evaluated 2026-07-21.

Conditions:
Fetal anomalies with a likely genetic cause.
RIT1-related disorder. Also called: RIT1-related condition.
Noonan syndrome and Noonan-related syndrome. Identifiers: Orphanet 98733, MedGen C5681679, MONDO:0020297.
Noonan syndrome 8 (NS8). Identifiers: Orphanet 648, MedGen C3809233, MONDO:0014143, OMIM 615355.
RASopathy. Also called: rasopathies; Noonan spectrum disorder. Identifiers: Orphanet 536391, MedGen C5555857, MONDO:0021060.
Noonan syndrome (NS). Also called: Noonan's syndrome. Identifiers: Orphanet 648, MedGen C0028326, MeSH D009634, MONDO:0018997. Disease mechanism: gain of function.

Submissions (13):

Genetics Laboratory, Great Ormond Street Hospital NHS Foundation Trust, North Thames Genomic Laboratory Hub
Classification: Pathogenic for Fetal anomalies with a likely genetic cause. Last evaluated: 2026-07-21. Review status: criteria provided, single submitter. Criteria: ACGS Best Practice Guidelines for Variant Classification in Rare Disease 2024 v1.2. Collection method: clinical testing. Allele origin: germline. Affected: yes.
Comment: PS4_moderate, PM2_moderate, PP3_supporting, PM5_strong, PS2_very-strong

Victorian Clinical Genetics Services, Murdoch Childrens Research Institute
Classification: Pathogenic for Noonan syndrome 8. Last evaluated: 2025-12-03. Review status: criteria provided, single submitter. Criteria: ACMG Guidelines, 2015. Collection method: clinical testing. Allele origin: germline. Affected: yes.
Comment: This variant is classified as Pathogenic. Evidence in support of pathogenic classification: Variant is absent from gnomAD (v2, v3 and v4); This variant has strong previous evidence of pathogenicity in unrelated individuals. This variant has been reported as pathogenic in multiple individuals with Noonan syndrome (ClinVar, PMID: 24896146). Two alternative nucleotide changes (c.270G>T and c.270G>C) resulting in the same amino acid substitution as this variant have also been reported as pathogenic in ClinVar; Other missense variants comparable to the one identified in this case have moderate previous evidence for pathogenicity. Two different variants in the same codon resulting in changes to leucine and valine have also been reported as likely pathogenic and pathogenic in ClinVar, respectively; Variant is located in a hotspot region or cluster of pathogenic variants (DECIPHER); Missense variant predicted to be damaging by in silico tool(s) or highly conserved with a major amino acid change; Additional information: Variant is predicted to result in a missense amino acid change from Met to Ile; This variant is heterozygous; This gene is associated with autosomal dominant disease; Gain of function is a known mechanism of disease in this gene and is associated with Noonan syndrome 8 (MIM#615355). Variants have been shown to result in enhanced ELK1 transactivation (PMID: 23791108).

PreventionGenetics, part of Exact Sciences
Classification: Pathogenic for RIT1-related condition. Last evaluated: 2025-11-21. Review status: criteria provided, single submitter. Criteria: ACMG Guidelines, 2015. Collection method: clinical testing. Allele origin: germline.
Comment: The RIT1 c.321G>A variant is predicted to result in the amino acid substitution p.Met107Ile. In an alternate transcript (NM_006912.5), this variant is also known as c.270G>A (p.Met90Ile). This variant has been reported as de novo, in several individuals with Noonan syndrome (Justino et al. 2015. PubMed ID: 24896146, Marinakis et al. 2021. PubMed ID: 34008892, Marangoni et al. 2021. PubMed ID: 34906519). This variant has not been reported in a large population database (gnomAD), indicating this variant is rare. Additionally, different nucleotide substitutions (c.321G>T and c.321G>C) resulting in the same amino acid substitution have been repeatedly documented as pathogenic (see for example - Aoki. 2013. PubMed ID: 23791108; Gos et al. 2014. PubMed ID: 24939608; Koenighofer et al. 2016. PubMed ID: 25959749). Based this evidence, we classify the RIT1 c.321G>A (p.Met107Ile) variant as pathogenic.

Labcorp Genetics (formerly Invitae), Labcorp
Classification: Pathogenic for Noonan syndrome 8. Last evaluated: 2024-06-12. Review status: criteria provided, single submitter. Criteria: Invitae Variant Classification Sherloc (09022015). Collection method: clinical testing. Allele origin: germline.
Comment: This sequence change replaces methionine, which is neutral and non-polar, with isoleucine, which is neutral and non-polar, at codon 90 of the RIT1 protein (p.Met90Ile). This variant is not present in population databases (gnomAD no frequency). This missense change has been observed in individual(s) with clinical features of cardio-facio-cutaneous syndrome (PMID: 23791108, 24896146, 24939608, 25959749). ClinVar contains an entry for this variant (Variation ID: 120250). Advanced modeling of protein sequence and biophysical properties (such as structural, functional, and spatial information, amino acid conservation, physicochemical variation, residue mobility, and thermodynamic stability) performed at Invitae indicates that this missense variant is expected to disrupt RIT1 protein function with a positive predictive value of 95%. For these reasons, this variant has been classified as Pathogenic.

Laboratoire de Génétique Moléculaire, CHU Bordeaux
Classification: Pathogenic for Noonan syndrome 8. Last evaluated: 2023-12-04. Review status: criteria provided, single submitter. Criteria: ACMG Guidelines, 2015. Collection method: clinical testing. Allele origin: germline. Affected: yes.

GeneDx
Classification: Pathogenic. Last evaluated: 2023-06-14. Review status: criteria provided, single submitter. Criteria: GeneDx Variant Classification Process June 2021. Collection method: clinical testing. Allele origin: germline. Affected: yes.
Comment: Published functional studies have shown that the variant induces the phosphorylation of ERK through activation of MEK (Berger et al., 2014); Not observed in large population cohorts (gnomAD); In silico analysis supports that this missense variant has a deleterious effect on protein structure/function; Located in the critical Switch II domain which is involved in GTP hydrolysis (Berger et al., 2014); This variant is associated with the following publications: (PMID: 34906519, 24469055, 22980975, 23791108, 24896146, 26757980, 26714497, 33144663, 34008892, 34704406)

Genome-Nilou Lab
Classification: Likely pathogenic for Noonan syndrome 8. Last evaluated: 2023-04-11. Review status: criteria provided, single submitter. Criteria: ACMG Guidelines, 2015. Collection method: clinical testing. Allele origin: germline. Affected: no.

Women's Health and Genetics/Laboratory Corporation of America, LabCorp
Classification: Pathogenic for RASopathy. Last evaluated: 2022-02-21. Review status: criteria provided, single submitter. Criteria: LabCorp Variant Classification Summary - May 2015. Collection method: clinical testing. Allele origin: germline.
Comment: Variant summary: RIT1 c.270G>A (p.Met90Ile) results in a conservative amino acid change located in the Small GTP-binding protein domain of the encoded protein sequence. Three of five in-silico tools predict a benign effect of the variant on protein function. The variant was absent in 251366 control chromosomes. c.270G>A has been reported in the literature in individuals affected with Noonan Syndrome as a de novo variant (examples: Lallar_2020, Aoi_2021). The variant was reported to lead to increased RIT1 expression levels and accelerated the rate of mitotic progression in asynchronously growing cells (Cuevas-Navarro_2021). Additionally, a different variant affecting the same codon has been reported as pathogenic by our lab (p.Met90Val). Five clinical diagnostic laboratories have submitted clinical-significance assessments for this variant to ClinVar after 2014 without evidence for independent evaluation. All laboratories classified the variant as pathogenic/likely pathogenic. Based on the evidence outlined above, the variant was classified as pathogenic.

Laboratory of Medical Genetics, National & Kapodistrian University of Athens
Classification: Pathogenic for Noonan syndrome 8. Last evaluated: 2021-10-01. Review status: criteria provided, single submitter. Criteria: ACMG Guidelines, 2015. Collection method: clinical testing. Allele origin: unknown. Affected: yes.
Comment: PS3, PM1, PM2, PP2, PP3, PP4, PP5

Genome Diagnostics Laboratory, The Hospital for Sick Children
Classification: Likely pathogenic for Noonan syndrome and Noonan-related syndrome. Last evaluated: 2020-04-01. Review status: criteria provided, single submitter. Criteria: ACMG Guidelines, 2015. Collection method: clinical testing. Allele origin: germline. Affected: yes.

Laboratory for Molecular Medicine, Mass General Brigham Personalized Medicine
Classification: Pathogenic for Noonan syndrome. Last evaluated: 2016-02-11. Review status: criteria provided, single submitter. Criteria: LMM Criteria. Collection method: clinical testing. Allele origin: germline. Inheritance: Autosomal dominant inheritance. Observed: 1 variant allele.
Comment: proposed classification - variant undergoing re-assessment, contact laboratory

Neuberg Centre For Genomic Medicine, NCGM
Classification: Pathogenic for Noonan syndrome 8. Review status: criteria provided, single submitter. Criteria: ACMG Guidelines, 2015. Collection method: clinical testing. Allele origin: germline. Inheritance: Autosomal dominant inheritance. Affected: yes.
Comment: This variant has been reported previously in heterozygous state in multiple individual(s) affected with Noonan syndrome.

Institute of Molecular Pathology and Immunology of the University of Porto (IPATIMUP)
No classification provided. Condition: Noonan syndrome 8. Review status: no classification provided. Collection method: not provided. Allele origin: germline. Not counted in ClinVar's aggregate classification.

Literature cited by the submitters: PubMed 23791108 (cited by 3 submitters); PubMed 24896146 (cited by Victorian Clinical Genetics Services, Murdoch Childrens Research Institute and Labcorp Genetics (formerly Invitae), Labcorp); PubMed 24939608 (cited by Labcorp Genetics (formerly Invitae), Labcorp and Laboratory for Molecular Medicine, Mass General Brigham Personalized Medicine); PubMed 25959749 (cited by Labcorp Genetics (formerly Invitae), Labcorp and Laboratory for Molecular Medicine, Mass General Brigham Personalized Medicine); PubMed 33452774 (cited by Women's Health and Genetics/Laboratory Corporation of America, LabCorp); PubMed 33144663 (cited by Women's Health and Genetics/Laboratory Corporation of America, LabCorp); PubMed 34237269 (cited by Women's Health and Genetics/Laboratory Corporation of America, LabCorp); PubMed 34008892 (cited by Laboratory of Medical Genetics, National & Kapodistrian University of Athens); PubMed 24803665 (cited by Laboratory for Molecular Medicine, Mass General Brigham Personalized Medicine); PubMed 24469055 (cited by Laboratory for Molecular Medicine, Mass General Brigham Personalized Medicine); PubMed 26757980 (cited by Laboratory for Molecular Medicine, Mass General Brigham Personalized Medicine); PubMed 26714497 (cited by Laboratory for Molecular Medicine, Mass General Brigham Personalized Medicine).

NM_006912.6(RIT1):c.270G>A (p.Met90Ile)

Gene: RIT1 (Ras like without CAAX 1; minus strand). Cytogenetic location: 1q22.
Variant type: single nucleotide variant.
Coding change: c.270G>A on transcript NM_006912.6 (MANE Select); coding-DNA position 270, G replaced by A.
Protein change: p.Met90Ile; replaces methionine 90 with isoleucine.
Molecular consequence: missense variant.
Genome position (GRCh38, 1-based): chr1:155,904,470, C>T on the plus strand (G>A on the coding strand, the complement: RIT1 is on the minus strand). VCF-style: chr1-155904470-C-T. GRCh37 (hg19) VCF-style: chr1-155874261-C-T.
Other names: c.162G>A, p.Met54Ile (NM_001256820.2); c.321G>A, p.Met107Ile (NM_001256821.2); short protein forms M90I, M107I, M54I.
Identifiers: ClinVar variation 120250 (VCV000120250.27), dbSNP rs483352822, ClinGen allele CA150798.
Genomic context (GRCh38, chr1:155,904,470, plus strand): 5'-TTCATGGAAACTTCGACGATCCGTGATAGAGTAACAGATGATAAACCCTTCTCCTGCCCT[C>T]ATATACTGGTCCCGCATGGCTGTAAACTCTGCCTAGAGGGAAACAAGGGTCATTATGTAT-3'
Protein context (NP_008843.1, residues 80-100): AEFTAMRDQY[Met90Ile]RAGEGFIICY